The following is an entry in ClinVar:

ClinVar aggregate classification (germline): Uncertain significance (1 of 4 stars; one submission).

Conditions:
Developmental and epileptic encephalopathy, 23 (DEE23). Also called: Epileptic encephalopathy, early infantile, 23. Identifiers: Orphanet 411986, MedGen C4014492, MONDO:0014371, OMIM 615859.

Allele frequency attached by ClinVar (database versions not stated): TOPMed 0.00002; gnomAD 0.00001; ExAC 0.00002.
gnomAD v4.1: 26 of 1,607,988 alleles (0.0016%); highest among the groups gnomAD compares: South Asian, 0.0056%; 1 homozygote.

Submissions (2):

Labcorp Genetics (formerly Invitae), Labcorp
Classification: Uncertain significance for Developmental and epileptic encephalopathy, 23. Last evaluated: 2022-08-21. Review status: criteria provided, single submitter. Criteria: Invitae Variant Classification Sherloc (09022015). Collection method: clinical testing. Allele origin: germline.
Comment: This sequence change falls in intron 33 of the DOCK7 gene. It does not directly change the encoded amino acid sequence of the DOCK7 protein. It affects a nucleotide within the consensus splice site. This variant is present in population databases (rs754604342, gnomAD 0.003%). This variant has not been reported in the literature in individuals affected with DOCK7-related conditions. ClinVar contains an entry for this variant (Variation ID: 1024416). Variants that disrupt the consensus splice site are a relatively common cause of aberrant splicing (PMID: 17576681, 9536098). Algorithms developed to predict the effect of sequence changes on RNA splicing suggest that this variant may disrupt the consensus splice site. In summary, the available evidence is currently insufficient to determine the role of this variant in disease. Therefore, it has been classified as a Variant of Uncertain Significance.

Dr. Peter K. Rogan Lab, Western University
No classification provided (evidence only). Condition: Clear cell carcinoma of kidney. Review status: no classification provided. Collection method: in vitro. Allele origin: not applicable. Functional consequence: retained intron. Not counted in ClinVar's aggregate classification.

Literature cited by the submitters: PubMed 17576681 (cited by Labcorp Genetics (formerly Invitae), Labcorp); PubMed 9536098 (cited by Labcorp Genetics (formerly Invitae), Labcorp).

NM_001367561.1(DOCK7):c.4260G>A (p.Thr1420=)

Gene: DOCK7 (dedicator of cytokinesis 7; minus strand). Cytogenetic location: 1p31.3.
Variant type: single nucleotide variant.
Coding change: c.4260G>A on transcript NM_001367561.1 (MANE Select); coding-DNA position 4260, G replaced by A.
Protein change: p.Thr1420=; no amino-acid change (threonine 1420 retained).
Molecular consequence: synonymous variant. On other transcripts: intron variant (4).
Genome position (GRCh38, 1-based): chr1:62,513,466, C>T on the plus strand (G>A on the coding strand, the complement: DOCK7 is on the minus strand). VCF-style: chr1-62513466-C-T. GRCh37 (hg19) VCF-style: chr1-62979137-C-T.
Other names: c.4167G>A, p.Thr1389= (NM_033407.4); c.4162+5G>A (NM_001272001.2, NM_001272000.2); c.4255+5G>A (NM_001271999.2, NM_001330614.2).
Identifiers: ClinVar variation 1024416 (VCV001024416.5), dbSNP rs754604342, ClinGen allele CA885763.